The following is an entry in ClinVar:

ClinVar aggregate classification (germline): Uncertain significance (1 of 4 stars; one submission).

Allele frequency attached by ClinVar (database versions not stated): TOPMed below 0.00001; gnomAD 0.00001.
gnomAD v4.1: 10 of 1,614,028 alleles (0.00062%); highest among the groups gnomAD compares: South Asian, 0.0033%; no homozygotes.

Submission:

Labcorp Genetics (formerly Invitae), Labcorp
Classification: Uncertain significance. Last evaluated: 2021-02-14. Review status: criteria provided, single submitter. Criteria: Invitae Variant Classification Sherloc (09022015). Collection method: clinical testing. Allele origin: germline.
Comment: In summary, the available evidence is currently insufficient to determine the role of this variant in disease. Therefore, it has been classified as a Variant of Uncertain Significance. Experimental studies and prediction algorithms are not available or were not evaluated, and the functional significance of this variant is currently unknown. This variant has not been reported in the literature in individuals with HTT-related conditions. This variant is not present in population databases (ExAC no frequency). This sequence change replaces aspartic acid with glutamic acid at codon 2942 of the HTT protein (p.Asp2942Glu). The aspartic acid residue is moderately conserved and there is a small physicochemical difference between aspartic acid and glutamic acid.

NM_001388492.1(HTT):c.8820C>G (p.Asp2940Glu)

Gene: HTT (huntingtin; plus strand). Cytogenetic location: 4p16.3.
Variant type: single nucleotide variant.
Coding change: c.8820C>G on transcript NM_001388492.1 (MANE Select); coding-DNA position 8820, C replaced by G.
Protein change: p.Asp2940Glu; replaces aspartic acid 2940 with glutamic acid.
Molecular consequence: missense variant.
Genome position (GRCh38, 1-based): chr4:3,236,183, C>G. VCF-style: chr4-3236183-C-G. GRCh37 (hg19) VCF-style: chr4-3237910-C-G.
Other names: c.8826C>G, p.Asp2942Glu (NM_002111.8); short protein forms D2942E, D2940E.
Identifiers: ClinVar variation 1413771 (VCV001413771.6), dbSNP rs764098014, ClinGen allele CA356102697.